The following is an entry in ClinVar:

ClinVar aggregate classification (germline): Pathogenic/Likely pathogenic. Review status: criteria provided, multiple submitters, no conflicts (2 of 4 stars). 4 submissions from 4 submitters: Pathogenic (2); Likely pathogenic (2). Last evaluated 2025-06-27.

Conditions:
CREBBP-related disorder. Also called: CREBBP-related condition; CREBBP-related disorders.
Menke-Hennekam syndrome 1 (MKHK1). Identifiers: MedGen C5193034, MONDO:0020763, OMIM 618332.

Submissions (4):

OLLIN Analises Genomicas, OLLIN
Classification: Likely pathogenic for Menke-Hennekam syndrome 1. Last evaluated: 2025-06-27. Review status: criteria provided, single submitter. Criteria: ACMG Guidelines 2015 PMID 25741868. Collection method: clinical testing. Allele origin: germline. Affected: yes. Observed: 2 variant alleles.
Comment: The missense variant (chr16:3729448G>A), located in exon 31 (of 31), is not reported in gnomAD v4.1 non-UKB or in the scientific literature. However, it is reported in ClinVar (VCV000871516.41). This variant is in a known mutational hotspot, and another pathogenic variant that affects the same amino acid residue has been previously reported (Clinvar ID: 429336). This gene shows low tolerance to missense variants, and in silico analysis predicts a deleterious effect on protein function. According to the currently available evidence, this variant has been classified as likely pathogenic (PM1, PM2_P, PM5, PP2, PP3).

GeneDx
Classification: Pathogenic. Last evaluated: 2021-11-04. Review status: criteria provided, single submitter. Criteria: GeneDx Variant Classification Process June 2021. Collection method: clinical testing. Allele origin: germline. Affected: yes.
Comment: Not observed in large population cohorts (Lek et al., 2016); In silico analysis supports that this missense variant has a deleterious effect on protein structure/function; This variant is associated with the following publications: (PMID: 27311832, 28191890)

Blueprint Genetics
Classification: Likely pathogenic for CREBBP-related disorders. Last evaluated: 2020-08-05. Review status: criteria provided, single submitter. Criteria: ACMG Guidelines, 2015. Collection method: clinical testing. Allele origin: germline. Affected: yes. Observed: 1 variant allele.

CeGaT Center for Human Genetics Tuebingen
Classification: Pathogenic. Last evaluated: 2019-08-01. Review status: criteria provided, single submitter. Criteria: CeGaT Center For Human Genetics Tuebingen Variant Classification Criteria Version 2. Collection method: clinical testing. Allele origin: germline. Affected: yes. Observed: 4 variant alleles.

NM_004380.3(CREBBP):c.5599C>T (p.Arg1867Trp)

Gene: CREBBP (CREB binding lysine acetyltransferase; minus strand). Cytogenetic location: 16p13.3.
Variant type: single nucleotide variant.
Coding change: c.5599C>T on transcript NM_004380.3 (MANE Select); coding-DNA position 5599, C replaced by T.
Protein change: p.Arg1867Trp; replaces arginine 1867 with tryptophan.
Molecular consequence: missense variant.
Genome position (GRCh38, 1-based): chr16:3,729,448, G>A on the plus strand (C>T on the coding strand, the complement: CREBBP is on the minus strand). VCF-style: chr16-3729448-G-A. GRCh37 (hg19) VCF-style: chr16-3779449-G-A.
Other names: c.5485C>T, p.Arg1829Trp (NM_001079846.1); short protein forms R1867W, R1829W.
Identifiers: ClinVar variation 871516 (VCV000871516.47), dbSNP rs398124148, ClinGen allele CA394555930.